The following is an entry in ClinVar:

ClinVar aggregate classification (germline): Benign/Likely benign. Review status: criteria provided, multiple submitters, no conflicts (2 of 4 stars). 3 submissions from 3 submitters: Benign (1); Likely benign (2). Last evaluated 2025-12-09.

Conditions:
Hypertrophic cardiomyopathy 14. Identifiers: MedGen C2750467, MONDO:0013197, OMIM 613251.

Allele frequency attached by ClinVar (database versions not stated): ExAC 0.00004; gnomAD exomes 0.00004 and 0.00011; gnomAD 0.00006; TOPMed 0.00006; ESP Exome Variant Server 0.00008.
gnomAD v4.1: 168 of 1,612,914 alleles (0.01%); highest among the groups gnomAD compares: Non-Finnish European, 0.014%; no homozygotes.

Submissions (3):

Labcorp Genetics (formerly Invitae), Labcorp
Classification: Likely benign for Hypertrophic cardiomyopathy 14. Last evaluated: 2025-12-09. Review status: criteria provided, single submitter. Criteria: Invitae Variant Classification Sherloc (09022015). Collection method: clinical testing. Allele origin: germline.

Women's Health and Genetics/Laboratory Corporation of America, LabCorp
Classification: Benign. Last evaluated: 2023-03-20. Review status: criteria provided, single submitter. Criteria: LabCorp Variant Classification Summary - May 2015. Collection method: clinical testing. Allele origin: germline.

GeneDx
Classification: Likely benign. Last evaluated: 2017-10-06. Review status: criteria provided, single submitter. Criteria: GeneDx Variant Classification (06012015). Collection method: clinical testing. Allele origin: germline. Affected: yes.
Comment: This variant is considered likely benign or benign based on one or more of the following criteria: it is a conservative change, it occurs at a poorly conserved position in the protein, it is predicted to be benign by multiple in silico algorithms, and/or has population frequency not consistent with disease.

NM_002471.4(MYH6):c.2293-19A>G

Gene: MYH6 (myosin heavy chain 6; minus strand). Cytogenetic location: 14q11.2.
Variant type: single nucleotide variant.
Coding change: c.2293-19A>G on transcript NM_002471.4 (MANE Select); 19 bases into the intron before coding-DNA position 2293, A replaced by G.
Molecular consequence: intron variant.
Genome position (GRCh38, 1-based): chr14:23,396,439, T>C on the plus strand (A>G on the coding strand, the complement: MYH6 is on the minus strand). VCF-style: chr14-23396439-T-C. GRCh37 (hg19) VCF-style: chr14-23865648-T-C.
Identifiers: ClinVar variation 391300 (VCV000391300.6), dbSNP rs375891567, ClinGen allele CA7115509.
Genomic context (GRCh38, chr14:23,396,439, plus strand): 5'-CATCTCCTCCAGCAGCCCAAGCAGCCCTGCCTTGAAGAACACCTGCAGGCAAGGGGTAGA[T>C]GCAACAGGCCGCAGCCTCAGAGGGGAGTATCCAGGGTGGAAGACCCTGGATGAGCTCCCA-3'